The following is an entry in ClinVar:

ClinVar aggregate classification (germline): Pathogenic (1 of 4 stars; one submission).

Conditions:
Hereditary cancer-predisposing syndrome. Also called: Hereditary Cancer Syndrome; Tumor predisposition; Hereditary neoplastic syndrome; Neoplastic Syndromes, Hereditary. Identifiers: Orphanet 140162, MedGen C0027672, MeSH D009386, MONDO:0015356.
Cardiovascular phenotype. Identifiers: MedGen CN230736.

Submission:

Ambry Genetics
Classification: Pathogenic for Cardiovascular phenotype; Hereditary cancer-predisposing syndrome. Last evaluated: 2024-11-15. Review status: criteria provided, single submitter. Criteria: Ambry Variant Classification Scheme 2023. Collection method: clinical testing. Allele origin: germline.
Comment: The c.3306delA pathogenic mutation, located in coding exon 25 of the NF1 gene, results from a deletion of one nucleotide at nucleotide position 3306, causing a translational frameshift with a predicted alternate stop codon (p.L1102Ffs*10). This variant has been observed in at least one individual with a personal and/or family history that is consistent with Neurofibromatosis type 1 (Ambry internal data). This variant is considered to be rare based on population cohorts in the Genome Aggregation Database (gnomAD). This alteration is expected to result in loss of function by premature protein truncation or nonsense-mediated mRNA decay. As such, this alteration is interpreted as a disease-causing mutation.

NM_001042492.3(NF1):c.3306del (p.Leu1102fs)

Gene: NF1 (neurofibromin 1; plus strand). Cytogenetic location: 17q11.2.
Variant type: Deletion.
Coding change: c.3306del on transcript NM_001042492.3 (MANE Select); coding-DNA position 3306, one base deleted (A; older notation c.3306delA).
Protein change: p.Leu1102fs; shifts the reading frame from leucine 1102.
Molecular consequence: frameshift variant.
Genome position (GRCh38, 1-based): chr17:31,232,181, A deleted. VCF-style (leftmost placement, unchanged base first): chr17-31232180-TA-T. GRCh37 (hg19) VCF-style: chr17-29559198-TA-T.
Other names: c.3306delA, p.Leu1102Phefs (NM_000267.4); c.3306delA (NM_000267.3); short protein forms L1102fs.
Identifiers: ClinVar variation 3404896 (VCV003404896.1).
Genomic context (GRCh38, chr17:31,232,180, plus strand): 5'-GTCTCCCTCTGCAGCCTGAAGAAGGAGATGGTGTGGAATTGATGGAAGCCAAATCACAGT[TA>T]TTTCTTAAGTAAATTTCAGTCACCAAAAAACATAAAGCAAAAAGCAAATAAAGCCCCCCA-3'